The following is an entry in ClinVar:

ClinVar aggregate classification (germline): Uncertain significance (1 of 4 stars; one submission).

Conditions:
Spinocerebellar ataxia, autosomal recessive, with axonal neuropathy 1 (SCAN1). Identifiers: Orphanet 94124, MedGen C4759870, MONDO:0011801, OMIM 607250.

gnomAD v4.1: 31 of 1,613,442 alleles (0.0019%); highest among the groups gnomAD compares: South Asian, 0.0033%; no homozygotes.

Submission:

Ozbek Human Genetics Laboratory, Izmir Biomedicine and Genome Center
Classification: Uncertain significance for Spinocerebellar ataxia, autosomal recessive, with axonal neuropathy 1. Last evaluated: 2025-08-20. Review status: criteria provided, single submitter. Criteria: ACMG Guidelines, 2015. Collection method: research. Allele origin: unknown. Inheritance: Autosomal recessive inheritance. Affected: yes. Observed: 1 variant allele, 1 homozygote.
Comment: A homozygous splice site variant was detected in exon 11 of the TDP1 gene (NM_018319.4). This variant is very rarely observed in population databases (PM2), and in silico algorithms (AlphaMissense, Revel) predict it has a damaging effect at the protein level (PP3). Based on this information, the variant is classified as a Variant of Uncertain Significance (VUS) according to ACMG criteria. The TDP1 gene is associated with "Spinocerebellar ataxia, autosomal recessive, with axonal neuropathy 1" syndrome in the OMIM database. Data obtained via the RAREBOOST project (Horizon 2020 ERA Chairs at Izmir Biomedicine and Genome Center - IBG)

NM_018319.4(TDP1):c.1317G>A (p.Leu439=)

Gene: TDP1 (tyrosyl-DNA phosphodiesterase 1; plus strand). Cytogenetic location: 14q32.11.
Variant type: single nucleotide variant.
Coding change: c.1317G>A on transcript NM_018319.4 (MANE Select); coding-DNA position 1317, G replaced by A.
Protein change: p.Leu439=; no amino-acid change (leucine 439 retained).
Molecular consequence: synonymous variant.
Genome position (GRCh38, 1-based): chr14:89,989,090, G>A. VCF-style: chr14-89989090-G-A. GRCh37 (hg19) VCF-style: chr14-90455434-G-A.
Other names: c.1317G>A, p.Leu439= (NM_001330205.2, NM_001008744.2).
Identifiers: ClinVar variation 4813273 (VCV004813273.1).